The following is an entry in ClinVar:

ClinVar aggregate classification (germline): Uncertain significance (1 of 4 stars; one submission).

gnomAD v4.1: 18 of 1,611,738 alleles (0.0011%); highest among the groups gnomAD compares: Non-Finnish European, 0.0014%; no homozygotes.

Submission:

Labcorp Genetics (formerly Invitae), Labcorp
Classification: Uncertain significance. Last evaluated: 2025-02-01. Review status: criteria provided, single submitter. Criteria: Invitae Variant Classification Sherloc (09022015). Collection method: clinical testing. Allele origin: germline.
Comment: This sequence change replaces aspartic acid, which is acidic and polar, with glutamic acid, which is acidic and polar, at codon 90 of the DIP2C protein (p.Asp90Glu). This variant is present in population databases (rs201441750, gnomAD 0.002%). This variant has not been reported in the literature in individuals affected with DIP2C-related conditions. An algorithm developed to predict the effect of missense changes on protein structure and function (PolyPhen-2) suggests that this variant is likely to be disruptive. In summary, the available evidence is currently insufficient to determine the role of this variant in disease. Therefore, it has been classified as a Variant of Uncertain Significance.

NM_014974.3(DIP2C):c.270C>G (p.Asp90Glu)

Gene: DIP2C (DIP2 acetate--CoA ligase C (putative); minus strand). Cytogenetic location: 10p15.3.
Variant type: single nucleotide variant.
Coding change: c.270C>G on transcript NM_014974.3 (MANE Select); coding-DNA position 270, C replaced by G.
Protein change: p.Asp90Glu; replaces aspartic acid 90 with glutamic acid.
Molecular consequence: missense variant.
Genome position (GRCh38, 1-based): chr10:440,995, G>C on the plus strand (C>G on the coding strand, the complement: DIP2C is on the minus strand). VCF-style: chr10-440995-G-C. GRCh37 (hg19) VCF-style: chr10-486935-G-C.
Other names: short protein forms D90E.
Identifiers: ClinVar variation 3624401 (VCV003624401.2).